The following is an entry in ClinVar:

ClinVar aggregate classification (germline): Likely benign. Review status: criteria provided, multiple submitters, no conflicts (2 of 4 stars). 2 submissions from 2 submitters: Likely benign (2). Last evaluated 2025-05-01.

Conditions:
OPLAH-related disorder. Also called: OPLAH-related condition.
5-Oxoprolinase deficiency (OPLAHD). Also called: 5-OXOPROLINURIA DUE TO 5-OXOPROLINASE DEFICIENCY. Identifiers: Orphanet 33572, MedGen C0268525, MONDO:0009825, OMIM 260005, HP:0040142.

Submissions (2):

PreventionGenetics, part of Exact Sciences
Classification: Likely benign for OPLAH-related condition. Last evaluated: 2025-05-01. Review status: criteria provided, single submitter. Criteria: ACMG Guidelines, 2015. Collection method: clinical testing. Allele origin: germline.
Comment: This variant is classified as likely benign based on ACMG/AMP sequence variant interpretation guidelines (Richards et al. 2015 PMID: 25741868, with internal and published modifications).

Labcorp Genetics (formerly Invitae), Labcorp
Classification: Likely benign for 5-Oxoprolinase deficiency. Last evaluated: 2019-12-31. Review status: criteria provided, single submitter. Criteria: Invitae Variant Classification Sherloc (09022015). Collection method: clinical testing. Allele origin: germline.

NM_017570.5(OPLAH):c.378T>G (p.Pro126=)

Gene: OPLAH (5-oxoprolinase, ATP-hydrolysing; minus strand). Cytogenetic location: 8q24.3.
Variant type: single nucleotide variant.
Coding change: c.378T>G on transcript NM_017570.5 (MANE Select); coding-DNA position 378, T replaced by G.
Protein change: p.Pro126=; no amino-acid change (proline 126 retained).
Molecular consequence: synonymous variant.
Genome position (GRCh38, 1-based): chr8:144,059,065, A>C on the plus strand (T>G on the coding strand, the complement: OPLAH is on the minus strand). VCF-style: chr8-144059065-A-C. GRCh37 (hg19) VCF-style: chr8-145113968-A-C.
Identifiers: ClinVar variation 736214 (VCV000736214.5), dbSNP rs1587567078, ClinGen allele CA463434880.
Genomic context (GRCh38, chr8:144,059,065, plus strand): 5'-CTCTCCACGGTGCAGCACCACGCGTTCGTCCACCTCCAGCACCTCTTCATACAGCACCTC[A>C]GGCATGGGCACGGCCTGGGGGCGGGCAGAGACTCAGAAGAGGCCCAGGCCTGAGGGTCCA-3'
Protein context (NP_060040.1, residues 116-136): GDLFDLAVPM[Pro126=]EVLYEEVLEV